The following is an entry in ClinVar:

ClinVar aggregate classification (germline): Uncertain significance. Review status: criteria provided, multiple submitters, no conflicts (2 of 4 stars). 2 submissions from 2 submitters: Uncertain significance (2). Last evaluated 2026-02-18.

Conditions:
Paroxysmal nonkinesigenic dyskinesia. Also called: Paroxysmal non-kinesigenic dyskinesia. Identifiers: Orphanet 98810, MedGen C1869117, MONDO:0700088.

Allele frequency attached by ClinVar (database versions not stated): gnomAD 0.00001; gnomAD exomes 0.00001; TOPMed 0.00001.
gnomAD v4.1: 14 of 1,611,492 alleles (0.00087%); highest among the groups gnomAD compares: Non-Finnish European, 0.0011%; no homozygotes.

Submissions (2):

Women's Health and Genetics/Laboratory Corporation of America, LabCorp
Classification: Uncertain significance. Last evaluated: 2026-02-18. Review status: criteria provided, single submitter. Criteria: LabCorp Variant Classification Summary - May 2015. Collection method: clinical testing. Allele origin: germline.
Comment: Variant summary: PNKD c.370A>G (p.Ile124Val) results in a conservative amino acid change located in the Hydroxyacylglutathione hydrolase, MBL domain (IPR035680) of the encoded protein sequence. Algorithms developed to predict the effect of missense changes on protein structure and function are either unavailable or do not agree on the potential impact of this missense change. The variant allele was found at a frequency of 8e-06 in 251314 control chromosomes. The available data on variant occurrences in the general population are insufficient to allow any conclusion about variant significance. To our knowledge, no occurrence of c.370A>G in individuals affected with PNKD-related conditions and no experimental evidence demonstrating its impact on protein function have been reported. ClinVar contains an entry for this variant (Variation ID: 536501). Based on the evidence outlined above, the variant was classified as uncertain significance.

Labcorp Genetics (formerly Invitae), Labcorp
Classification: Uncertain significance for Paroxysmal nonkinesigenic dyskinesia. Last evaluated: 2017-10-10. Review status: criteria provided, single submitter. Criteria: Invitae Variant Classification Sherloc (09022015). Collection method: clinical testing. Allele origin: germline.
Comment: This sequence change replaces isoleucine with valine at codon 124 of the PNKD protein (p.Ile124Val). The isoleucine residue is highly conserved and there is a small physicochemical difference between isoleucine and valine. In summary, the available evidence is currently insufficient to determine the role of this variant in disease. Therefore, it has been classified as a Variant of Uncertain Significance. Algorithms developed to predict the effect of missense changes on protein structure and function (SIFT, PolyPhen-2, Align-GVGD) all suggest that this variant is likely to be tolerated, but these predictions have not been confirmed by published functional studies and their clinical significance is uncertain. This variant has not been reported in the literature in individuals with PNKD-related disease. This variant is not present in population databases (ExAC no frequency).

NM_015488.5(PNKD):c.370A>G (p.Ile124Val)

Genes: CATIP-AS2 (CATIP antisense RNA 2; minus strand), PNKD (PNKD metallo-beta-lactamase domain containing; plus strand). Cytogenetic location: 2q35.
Variant type: single nucleotide variant.
Coding change: c.370A>G on transcript NM_015488.5 (MANE Select); coding-DNA position 370, A replaced by G.
Protein change: p.Ile124Val; replaces isoleucine 124 with valine.
Molecular consequence: missense variant.
Genome position (GRCh38, 1-based): chr2:218,340,046, A>G. VCF-style: chr2-218340046-A-G. GRCh37 (hg19) VCF-style: chr2-219204769-A-G.
Other names: c.298A>G, p.Ile100Val (NM_022572.5); short protein forms I124V, I100V.
Identifiers: ClinVar variation 536501 (VCV000536501.12), dbSNP rs909331529, ClinGen allele CA65758970.